The following is an entry in ClinVar:

ClinVar aggregate classification (germline): Uncertain significance (1 of 4 stars; one submission).

Conditions:
Hereditary cancer-predisposing syndrome. Also called: Neoplastic Syndromes, Hereditary; Tumor predisposition; Hereditary Cancer Syndrome; Hereditary neoplastic syndrome. Identifiers: Orphanet 140162, MedGen C0027672, MeSH D009386, MONDO:0015356.

Allele frequency attached by ClinVar (database versions not stated): gnomAD exomes below 0.00001.
gnomAD v4.1: 4 of 1,613,610 alleles (0.00025%); highest among the groups gnomAD compares: South Asian, 0.0044%; 1 homozygote.

Submission:

Ambry Genetics
Classification: Uncertain significance for Hereditary cancer-predisposing syndrome. Last evaluated: 2025-07-06. Review status: criteria provided, single submitter. Criteria: Ambry Variant Classification Scheme 2023. Collection method: clinical testing. Allele origin: germline.
Comment: The p.G1314E variant (also known as c.3941G>A), located in coding exon 31 of the POLE gene, results from a G to A substitution at nucleotide position 3941. The glycine at codon 1314 is replaced by glutamic acid, an amino acid with similar properties. This amino acid position is conserved. In addition, the in silico prediction for this alteration is inconclusive. Since supporting evidence is limited at this time, the clinical significance of this alteration remains unclear.

NM_006231.4(POLE):c.3941G>A (p.Gly1314Glu)

Gene: POLE (DNA polymerase epsilon, catalytic subunit; minus strand). Cytogenetic location: 12q24.33.
Variant type: single nucleotide variant.
Coding change: c.3941G>A on transcript NM_006231.4 (MANE Select); coding-DNA position 3941, G replaced by A.
Protein change: p.Gly1314Glu; replaces glycine 1314 with glutamic acid.
Molecular consequence: missense variant.
Genome position (GRCh38, 1-based): chr12:132,649,370, C>T on the plus strand (G>A on the coding strand, the complement: POLE is on the minus strand). VCF-style: chr12-132649370-C-T. GRCh37 (hg19) VCF-style: chr12-133225956-C-T.
Other names: short protein forms G1314E.
Identifiers: ClinVar variation 1736360 (VCV001736360.3), dbSNP rs2138606592, ClinGen allele CA387385001.